The following is an entry in ClinVar:

NM_001130438.3(SPTAN1):c.5806A>G (p.Thr1936Ala)

Gene: SPTAN1 (spectrin alpha, non-erythrocytic 1; plus strand). Cytogenetic location: 9q34.11.
Variant type: single nucleotide variant.
Coding change: c.5806A>G on transcript NM_001130438.3 (MANE Select); coding-DNA position 5806, A replaced by G.
Protein change: p.Thr1936Ala; replaces threonine 1936 with alanine.
Molecular consequence: missense variant.
Genome position (GRCh38, 1-based): chr9:128,621,230, A>G. VCF-style: chr9-128621230-A-G. GRCh37 (hg19) VCF-style: chr9-131383509-A-G.
Other names: c.5731A>G, p.Thr1911Ala (NM_001195532.2); c.5806A>G, p.Thr1936Ala (NM_001363759.2, NM_001375310.1, NM_001375311.2 and 1 more transcripts); c.5746A>G, p.Thr1916Ala (NM_001363765.2, NM_001375314.2); c.5842A>G, p.Thr1948Ala (NM_001375312.2, NM_001375318.1); c.5791A>G, p.Thr1931Ala (NM_003127.4); short protein forms T1911A, T1916A, T1931A, T1936A, T1948A.
Identifiers: ClinVar variation 1306152 (VCV001306152.2), dbSNP rs1857810076, ClinGen allele CA375080118.

ClinVar aggregate classification (germline): Uncertain significance (1 of 4 stars; one submission).

Allele frequency attached by ClinVar (database versions not stated): gnomAD exomes below 0.00001; TOPMed 0.00001.
gnomAD v4.1: 2 of 1,613,886 alleles (0.00012%); highest among the groups gnomAD compares: East Asian, 0.0045%; no homozygotes.

Submission:

GeneDx
Classification: Uncertain significance. Last evaluated: 2019-05-31. Review status: criteria provided, single submitter. Criteria: GeneDx Variant Classification Process June 2021. Collection method: clinical testing. Allele origin: germline. Affected: yes.
Comment: Not observed in large population cohorts (Lek et al., 2016); In silico analysis, which includes protein predictors and evolutionary conservation, supports that this variant does not alter protein structure/function; Has not been previously published as pathogenic or benign to our knowledge; Previously reported pathogenic variants in SPTAN1 include in-frame deletions or duplications located within the last four spectrin repeats of the protein, which are essential for dimerization (Saitsu et al., 2010), and the T1936A residue is outside this region